The following is an entry in ClinVar:

ClinVar aggregate classification (germline): Uncertain significance. Review status: criteria provided, multiple submitters, no conflicts (2 of 4 stars). 3 submissions from 3 submitters: Uncertain significance (3). Last evaluated 2024-03-06.

Conditions:
Hereditary cancer-predisposing syndrome. Also called: Neoplastic Syndromes, Hereditary; Tumor predisposition; Hereditary neoplastic syndrome; Hereditary Cancer Syndrome. Identifiers: Orphanet 140162, MedGen C0027672, MeSH D009386, MONDO:0015356.
Familial adenomatous polyposis 1 (FAP1). Also called: POLYPOSIS, ADENOMATOUS INTESTINAL; FAMILIAL ADENOMATOUS POLYPOSIS 1, ATTENUATED. Identifiers: MedGen C2713442, MONDO:0021056, OMIM 175100. Disease mechanism: loss of function.

Submissions (3):

Color Diagnostics, LLC DBA Color Health
Classification: Uncertain significance for Hereditary cancer-predisposing syndrome. Last evaluated: 2024-03-06. Review status: criteria provided, single submitter. Criteria: ACMG Guidelines, 2015. Collection method: clinical testing. Allele origin: germline.
Comment: This missense variant replaces glutamic acid with alanine at codon 2263 of the APC protein. Computational prediction suggests that this variant may not impact protein structure and function (internally defined REVEL score threshold <= 0.5, PMID: 27666373). To our knowledge, functional studies have not been reported for this variant. This variant has not been reported in individuals affected with APC-related disorders in the literature. This variant has not been identified in the general population by the Genome Aggregation Database (gnomAD). The available evidence is insufficient to determine the role of this variant in disease conclusively. Therefore, this variant is classified as a Variant of Uncertain Significance.

Ambry Genetics
Classification: Uncertain significance for Hereditary cancer-predisposing syndrome. Last evaluated: 2023-09-27. Review status: criteria provided, single submitter. Criteria: Ambry Variant Classification Scheme 2023. Collection method: clinical testing. Allele origin: germline.
Comment: The p.E2263A variant (also known as c.6788A>C), located in coding exon 15 of the APC gene, results from an A to C substitution at nucleotide position 6788. The glutamic acid at codon 2263 is replaced by alanine, an amino acid with dissimilar properties. This amino acid position is well conserved in available vertebrate species. In addition, in silico predictors for this gene do not accurately predict pathogenicity. Since supporting evidence is limited at this time, the clinical significance of this alteration remains unclear.

Labcorp Genetics (formerly Invitae), Labcorp
Classification: Uncertain significance for Familial adenomatous polyposis 1. Last evaluated: 2023-03-13. Review status: criteria provided, single submitter. Criteria: Invitae Variant Classification Sherloc (09022015). Collection method: clinical testing. Allele origin: germline.
Comment: ClinVar contains an entry for this variant (Variation ID: 627993). In summary, the available evidence is currently insufficient to determine the role of this variant in disease. Therefore, it has been classified as a Variant of Uncertain Significance. Advanced modeling of protein sequence and biophysical properties (such as structural, functional, and spatial information, amino acid conservation, physicochemical variation, residue mobility, and thermodynamic stability) performed at Invitae indicates that this missense variant is not expected to disrupt APC protein function. This variant has not been reported in the literature in individuals affected with APC-related conditions. This variant is not present in population databases (gnomAD no frequency). This sequence change replaces glutamic acid, which is acidic and polar, with alanine, which is neutral and non-polar, at codon 2263 of the APC protein (p.Glu2263Ala).

NM_000038.6(APC):c.6788A>C (p.Glu2263Ala)

Gene: APC (APC regulator of Wnt signaling pathway; plus strand). Cytogenetic location: 5q22.2.
Variant type: single nucleotide variant.
Coding change: c.6788A>C on transcript NM_000038.6 (MANE Select); coding-DNA position 6788, A replaced by C.
Protein change: p.Glu2263Ala; replaces glutamic acid 2263 with alanine.
Molecular consequence: missense variant.
Genome position (GRCh38, 1-based): chr5:112,842,382, A>C. VCF-style: chr5-112842382-A-C. GRCh37 (hg19) VCF-style: chr5-112178079-A-C.
Other names: c.6788A>C, p.Glu2263Ala (NM_001354895.2, NM_001127510.3); c.6842A>C, p.Glu2281Ala (NM_001354896.2); c.6818A>C, p.Glu2273Ala (NM_001354897.2); c.6713A>C, p.Glu2238Ala (NM_001354898.2); c.6611A>C, p.Glu2204Ala (NM_001354901.2); c.6515A>C, p.Glu2172Ala (NM_001354902.2); c.6704A>C, p.Glu2235Ala (NM_001354899.2); c.6665A>C, p.Glu2222Ala (NM_001354900.2); and 5 more; short protein forms E2263A, E2245A, E1980A, E2103A, E2238A, E2172A, E2204A, E2222A.
Identifiers: ClinVar variation 627993 (VCV000627993.19), dbSNP rs1561610164, ClinGen allele CA16036156.
Genomic context (GRCh38, chr5:112,842,382, plus strand): 5'-CAAGTCCTGTTTCTAAAAAAGGCCCACCCCTTAAGACTCCAGCCTCCAAAAGCCCTAGTG[A>C]AGGTCAAACAGCCACCACTTCTCCTAGAGGAGCCAAGCCATCTGTGAAATCAGAATTAAG-3'
Protein context (NP_000029.2, residues 2253-2273): LKTPASKSPS[Glu2263Ala]GQTATTSPRG